The following is an entry in ClinVar:

NM_005754.3(G3BP1):c.1343dup (p.Gly449fs)

Gene: G3BP1 (G3BP stress granule assembly factor 1; plus strand). Cytogenetic location: 5q33.1.
Variant type: Duplication.
Coding change: c.1343dup on transcript NM_005754.3 (MANE Select); coding-DNA position 1343, one base duplicated (G; older notation c.1343dupG).
Protein change: p.Gly449fs; shifts the reading frame from glycine 449.
Molecular consequence: frameshift variant.
Genome position (GRCh38, 1-based): chr5:151,804,033, G duplicated; the last of 2 consecutive G bases (chr5:151,804,032-151,804,033); duplicating either gives the same sequence. VCF-style (leftmost placement, unchanged base first): chr5-151804031-T-TG. GRCh37 (hg19) VCF-style: chr5-151183592-T-TG.
Other names: c.1343dup, p.Gly449fs (NM_198395.2); short protein forms G449fs.
Identifiers: ClinVar variation 3359905 (VCV003359905.1).
Genomic context (GRCh38, chr5:151,804,031, plus strand): 5'-CCTTCGGGGACCTGGAGGCCCTCGAGGTGGGCTGGGTGGTGGAATGAGAGGCCCTCCCCG[T>TG]GGAGGCATGGTGCAGAAACCAGGATTTGGAGTGGGAAGGGGGCTTGCGCCACGGCAGTGA-3'

ClinVar aggregate classification (germline): Uncertain significance (1 of 4 stars; one submission).

Submission:

GeneDx
Classification: Uncertain significance. Last evaluated: 2023-06-26. Review status: criteria provided, single submitter. Criteria: GeneDx Variant Classification Process June 2021. Collection method: clinical testing. Allele origin: germline. Affected: yes.
Comment: Not observed at significant frequency in large population cohorts (gnomAD); Frameshift variant predicted to result in protein truncation, as the last 18 amino acids being replaced with 59 incorrect amino acids in a gene for which loss of function is not an established mechanism of disease; Has not been previously published as pathogenic or benign to our knowledge